The following is an entry in ClinVar:

ClinVar aggregate classification (germline): Benign. Review status: criteria provided, multiple submitters, no conflicts (2 of 4 stars). 2 submissions from 2 submitters: Benign (2). Last evaluated 2018-01-13.

Conditions:
Seizures, benign familial neonatal, 2. Also called: CONVULSIONS, BENIGN FAMILIAL NEONATAL, 2; KCNQ3-Related Self-Limited Familial Neonatal Epilepsy (SLFNE); Benign Neonatal Epilepsy 2; KCNQ3-Related Benign Familial Neonatal Epilepsy; Seizures, benign neonatal, 2. Identifiers: Orphanet 1949, MedGen C1852581, MONDO:0007366, OMIM 121201.

Allele frequency attached by ClinVar (database versions not stated): gnomAD 0.24245 and 0.24723; 1000 Genomes Project 0.25379; TOPMed 0.24467; 1000 Genomes Project 30x 0.25406; gnomAD exomes 0.27561.
gnomAD v4.1: 45,704 of 181,588 alleles (25%); highest among the groups gnomAD compares: South Asian, 35%; 6,050 homozygotes.

Submissions (2):

Illumina Laboratory Services, Illumina
Classification: Benign for Seizures, benign familial neonatal, 2. Last evaluated: 2018-01-13. Review status: criteria provided, single submitter. Criteria: ICSL Variant Classification Criteria 13 December 2019. Collection method: clinical testing. Allele origin: germline.
Comment: This variant was observed in the ICSL laboratory as part of a predisposition screen in an ostensibly healthy population. It had not been previously curated by ICSL or reported in the Human Gene Mutation Database (HGMD: prior to June 1st, 2018), and was therefore a candidate for classification through an automated scoring system. Utilizing variant allele frequency, disease prevalence and penetrance estimates, and inheritance mode, an automated score was calculated to assess if this variant is too frequent to cause the disease. Based on the score and internal cut-off values, a variant classified as benign is not then subjected to further curation. The score for this variant resulted in a classification of benign for this disease.

Breakthrough Genomics
Classification: Benign. Review status: criteria provided, single submitter. Criteria: ACMG Guidelines, 2015. Collection method: not provided. Allele origin: germline. Inheritance: Autosomal dominant inheritance. Affected: yes.

NM_004519.4(KCNQ3):c.*426C>G

Gene: KCNQ3 (potassium voltage-gated channel subfamily Q member 3; minus strand). Cytogenetic location: 8q24.22.
Variant type: single nucleotide variant.
Coding change: c.*426C>G on transcript NM_004519.4 (MANE Select); 426 bases downstream of the stop codon, C replaced by G.
Molecular consequence: 3 prime UTR variant.
Genome position (GRCh38, 1-based): chr8:132,128,836, G>C on the plus strand (C>G on the coding strand, the complement: KCNQ3 is on the minus strand). VCF-style: chr8-132128836-G-C. GRCh37 (hg19) VCF-style: chr8-133141083-G-C.
Other names: c.*426C>G (NM_001204824.2).
Identifiers: ClinVar variation 361869 (VCV000361869.7), dbSNP rs10956640, ClinGen allele CA10624799.